The following is an entry in ClinVar:

ClinVar aggregate classification (germline): Conflicting classifications of pathogenicity. Review status: criteria provided, conflicting classifications (1 of 4 stars). 2 submissions from 2 submitters: Uncertain significance (1); Likely benign (1). Last evaluated 2024-12-23.

Conditions:
Schimke immuno-osseous dysplasia (SIOD). Also called: Schimke Immunoosseous Dysplasia. Identifiers: Orphanet 1830, MedGen C0877024, MONDO:0009458, OMIM 242900.
Inborn genetic diseases. Identifiers: MedGen C0950123, MeSH D030342.

Allele frequency attached by ClinVar (database versions not stated): gnomAD exomes below 0.00001 and 0.00001; ExAC 0.00002.

Submissions (2):

Ambry Genetics
Classification: Likely benign for Inborn genetic diseases. Last evaluated: 2024-12-23. Review status: criteria provided, single submitter. Criteria: Ambry Variant Classification Scheme 2023. Collection method: clinical testing. Allele origin: germline.

Labcorp Genetics (formerly Invitae), Labcorp
Classification: Uncertain significance for Schimke immuno-osseous dysplasia. Last evaluated: 2021-08-28. Review status: criteria provided, single submitter. Criteria: Invitae Variant Classification Sherloc (09022015). Collection method: clinical testing. Allele origin: germline.
Comment: This sequence change replaces lysine with glutamic acid at codon 189 of the SMARCAL1 protein (p.Lys189Glu). The lysine residue is weakly conserved and there is a small physicochemical difference between lysine and glutamic acid. This variant is present in population databases (rs754147208, ExAC 0.003%). This variant has not been reported in the literature in individuals affected with SMARCAL1-related conditions. Algorithms developed to predict the effect of missense changes on protein structure and function output the following: SIFT: "Tolerated"; PolyPhen-2: "Benign"; Align-GVGD: "Class C0". The glutamic acid amino acid residue is found in multiple mammalian species, which suggests that this missense change does not adversely affect protein function. In summary, the available evidence is currently insufficient to determine the role of this variant in disease. Therefore, it has been classified as a Variant of Uncertain Significance.

NM_014140.4(SMARCAL1):c.565A>G (p.Lys189Glu)

Gene: SMARCAL1 (SNF2 related chromatin remodeling annealing helicase 1; plus strand). Cytogenetic location: 2q35.
Variant type: single nucleotide variant.
Coding change: c.565A>G on transcript NM_014140.4 (MANE Select); coding-DNA position 565, A replaced by G.
Protein change: p.Lys189Glu; replaces lysine 189 with glutamic acid.
Molecular consequence: missense variant.
Genome position (GRCh38, 1-based): chr2:216,415,269, A>G. VCF-style: chr2-216415269-A-G. GRCh37 (hg19) VCF-style: chr2-217279992-A-G.
Other names: c.565A>G, p.Lys189Glu (NM_001127207.2); short protein forms K189E.
Identifiers: ClinVar variation 568780 (VCV000568780.4), dbSNP rs754147208, ClinGen allele CA2097613.
Genomic context (GRCh38, chr2:216,415,269, plus strand): 5'-AAACCAAAGAGTTCCCAAGAGACACCAGCTCATTCCTCTGGACAGCCTCCCAGGGATGCT[A>G]AGTTAGAGGCCAAGACAGCAAAAGCCTCCCCTTCGGGGCAGAACATTTCTTACATCCATT-3'
Protein context (NP_054859.2, residues 179-199): HSSGQPPRDA[Lys189Glu]LEAKTAKASP